The following is an entry in ClinVar:

NM_020117.11(LARS1):c.707+315_707+317del

Gene: LARS1 (leucyl-tRNA synthetase 1; minus strand). Cytogenetic location: 5q32.
Variant type: Deletion.
Coding change: c.707+315_707+317del on transcript NM_020117.11 (MANE Select); bases 315 to 317 of the intron after coding-DNA position 707, 3 bases deleted (CTT; older notation c.707+315_707+317delCTT).
Molecular consequence: intron variant.
Genome position (GRCh38, 1-based): chr5:146,160,057-146,160,059, AAG deleted on the plus strand (CTT on the coding strand, the reverse complement: LARS1 is on the minus strand); deleting any 3 consecutive bases within chr5:146,160,057-146,160,061 gives the same sequence; the c. name uses the placement nearest the transcript's 3' end. VCF-style (leftmost placement, unchanged base first): chr5-146160056-AAAG-A. GRCh37 (hg19) VCF-style: chr5-145539619-AAAG-A.
Other names: c.545+315_545+317del (NM_001317965.2); c.626+315_626+317del (NM_016460.4); c.569+315_569+317del (NM_001317964.2).
Identifiers: ClinVar variation 672550 (VCV000672550.1), dbSNP rs202235327, ClinGen allele CA128856747.

ClinVar aggregate classification (germline): Likely benign (1 of 4 stars; one submission).

Submission:

GeneDx
Classification: Likely benign. Last evaluated: 2018-06-14. Review status: criteria provided, single submitter. Criteria: GeneDx Variant Classification (06012015). Collection method: clinical testing. Allele origin: germline. Affected: yes.
Comment: This variant is considered likely benign or benign based on one or more of the following criteria: it is a conservative change, it occurs at a poorly conserved position in the protein, it is predicted to be benign by multiple in silico algorithms, and/or has population frequency not consistent with disease.